The following is an entry in ClinVar:

ClinVar aggregate classification (germline): Uncertain significance. Review status: criteria provided, multiple submitters, no conflicts (2 of 4 stars). 2 submissions from 2 submitters: Uncertain significance (2). Last evaluated 2024-12-25.

Conditions:
Hereditary cancer-predisposing syndrome. Also called: Hereditary neoplastic syndrome; Hereditary Cancer Syndrome; Tumor predisposition; Neoplastic Syndromes, Hereditary. Identifiers: Orphanet 140162, MedGen C0027672, MeSH D009386, MONDO:0015356.

Submissions (2):

Ambry Genetics
Classification: Uncertain significance for Hereditary cancer-predisposing syndrome. Last evaluated: 2024-12-25. Review status: criteria provided, single submitter. Criteria: Ambry Variant Classification Scheme 2023. Collection method: clinical testing. Allele origin: germline.
Comment: The p.L197V variant (also known as c.589C>G), located in coding exon 1 of the AXIN2 gene, results from a C to G substitution at nucleotide position 589. The leucine at codon 197 is replaced by valine, an amino acid with highly similar properties. This amino acid position is conserved. In addition, this alteration is predicted to be tolerated by in silico analysis. Based on the available evidence, the clinical significance of this variant remains unclear.

GeneDx
Classification: Uncertain significance. Last evaluated: 2022-07-20. Review status: criteria provided, single submitter. Criteria: GeneDx Variant Classification Process June 2021. Collection method: clinical testing. Allele origin: germline. Affected: yes.
Comment: Not observed at significant frequency in large population cohorts (gnomAD); In silico analysis supports that this missense variant does not alter protein structure/function; Has not been previously published as pathogenic or benign to our knowledge; This variant is associated with the following publications: (PMID: 15735151)

NM_004655.4(AXIN2):c.589C>G (p.Leu197Val)

Gene: AXIN2 (axin 2; minus strand). Cytogenetic location: 17q24.1.
Variant type: single nucleotide variant.
Coding change: c.589C>G on transcript NM_004655.4 (MANE Select); coding-DNA position 589, C replaced by G.
Protein change: p.Leu197Val; replaces leucine 197 with valine.
Molecular consequence: missense variant.
Genome position (GRCh38, 1-based): chr17:65,558,032, G>C on the plus strand (C>G on the coding strand, the complement: AXIN2 is on the minus strand). VCF-style: chr17-65558032-G-C. GRCh37 (hg19) VCF-style: chr17-63554150-G-C.
Other names: c.589C>G, p.Leu197Val (NM_001363813.1); short protein forms L197V.
Identifiers: ClinVar variation 2136120 (VCV002136120.2), dbSNP rs1598119374, ClinGen allele CA400680774.